The following is an entry in ClinVar:

ClinVar aggregate classification (germline): Uncertain significance. Review status: criteria provided, multiple submitters, no conflicts (2 of 4 stars). 2 submissions from 2 submitters: Uncertain significance (2). Last evaluated 2025-10-05.

Conditions:
Hereditary cancer-predisposing syndrome. Also called: Hereditary neoplastic syndrome; Neoplastic Syndromes, Hereditary; Hereditary Cancer Syndrome; Tumor predisposition. Identifiers: Orphanet 140162, MedGen C0027672, MeSH D009386, MONDO:0015356.
Familial adenomatous polyposis 1 (FAP1). Also called: POLYPOSIS, ADENOMATOUS INTESTINAL; FAMILIAL ADENOMATOUS POLYPOSIS 1, ATTENUATED. Identifiers: MedGen C2713442, MONDO:0021056, OMIM 175100. Disease mechanism: loss of function.

Allele frequency attached by ClinVar (database versions not stated): TOPMed below 0.00001.

Submissions (2):

Labcorp Genetics (formerly Invitae), Labcorp
Classification: Uncertain significance for Familial adenomatous polyposis 1. Last evaluated: 2025-10-05. Review status: criteria provided, single submitter. Criteria: Invitae Variant Classification Sherloc (09022015). Collection method: clinical testing. Allele origin: germline.
Comment: This sequence change replaces arginine, which is basic and polar, with isoleucine, which is neutral and non-polar, at codon 2393 of the APC protein (p.Arg2393Ile). This variant is not present in population databases (gnomAD no frequency). This variant has not been reported in the literature in individuals affected with APC-related conditions. ClinVar contains an entry for this variant (Variation ID: 659404). Invitae Evidence Modeling of protein sequence and biophysical properties (such as structural, functional, and spatial information, amino acid conservation, physicochemical variation, residue mobility, and thermodynamic stability) indicates that this missense variant is not expected to disrupt APC protein function with a negative predictive value of 95%. In summary, the available evidence is currently insufficient to determine the role of this variant in disease. Therefore, it has been classified as a Variant of Uncertain Significance.

Ambry Genetics
Classification: Uncertain significance for Hereditary cancer-predisposing syndrome. Last evaluated: 2024-01-05. Review status: criteria provided, single submitter. Criteria: Ambry Variant Classification Scheme 2023. Collection method: clinical testing. Allele origin: germline.
Comment: The p.R2393I variant (also known as c.7178G>T), located in coding exon 15 of the APC gene, results from a G to T substitution at nucleotide position 7178. The arginine at codon 2393 is replaced by isoleucine, an amino acid with similar properties. This amino acid position is highly conserved in available vertebrate species. In addition, in silico predictors for this gene do not accurately predict pathogenicity. Since supporting evidence is limited at this time, the clinical significance of this alteration remains unclear.

NM_000038.6(APC):c.7178G>T (p.Arg2393Ile)

Gene: APC (APC regulator of Wnt signaling pathway; plus strand). Cytogenetic location: 5q22.2.
Variant type: single nucleotide variant.
Coding change: c.7178G>T on transcript NM_000038.6 (MANE Select); coding-DNA position 7178, G replaced by T.
Protein change: p.Arg2393Ile; replaces arginine 2393 with isoleucine.
Molecular consequence: missense variant.
Genome position (GRCh38, 1-based): chr5:112,842,772, G>T. VCF-style: chr5-112842772-G-T. GRCh37 (hg19) VCF-style: chr5-112178469-G-T.
Other names: c.7178G>T, p.Arg2393Ile (NM_001127510.3, NM_001354895.2); c.7124G>T, p.Arg2375Ile (NM_001127511.3); c.7232G>T, p.Arg2411Ile (NM_001354896.2); c.7208G>T, p.Arg2403Ile (NM_001354897.2); c.7103G>T, p.Arg2368Ile (NM_001354898.2); c.7094G>T, p.Arg2365Ile (NM_001354899.2); c.7055G>T, p.Arg2352Ile (NM_001354900.2); c.7001G>T, p.Arg2334Ile (NM_001354901.2); and 5 more; short protein forms R2267I, R2352I, R2393I, R2403I, R2368I, R2375I, R2302I, R2365I.
Identifiers: ClinVar variation 659404 (VCV000659404.12), dbSNP rs786201717, ClinGen allele CA16036963.